The following is an entry in ClinVar:

ClinVar aggregate classification (germline): Uncertain significance (1 of 4 stars; one submission).

gnomAD v4.1: 2 of 1,614,160 alleles (0.00012%); highest among the groups gnomAD compares: Non-Finnish European, 0.000085%; no homozygotes.

Submission:

CeGaT Center for Human Genetics Tuebingen
Classification: Uncertain significance. Last evaluated: 2025-06-01. Review status: criteria provided, single submitter. Criteria: CeGaT Center For Human Genetics Tuebingen Variant Classification Criteria Version 2. Collection method: clinical testing. Allele origin: germline. Affected: yes. Observed: 2 variant alleles.
Comment: PRF1: PM1, PM2

NM_001083116.3(PRF1):c.1601G>A (p.Cys534Tyr)

Gene: PRF1 (perforin 1; minus strand). Cytogenetic location: 10q22.1.
Variant type: single nucleotide variant.
Coding change: c.1601G>A on transcript NM_001083116.3 (MANE Select); coding-DNA position 1601, G replaced by A.
Protein change: p.Cys534Tyr; replaces cysteine 534 with tyrosine.
Molecular consequence: missense variant.
Genome position (GRCh38, 1-based): chr10:70,598,120, C>T on the plus strand (G>A on the coding strand, the complement: PRF1 is on the minus strand). VCF-style: chr10-70598120-C-T. GRCh37 (hg19) VCF-style: chr10-72357876-C-T.
Other names: c.1601G>A, p.Cys534Tyr (NM_005041.6); short protein forms C534Y.
Identifiers: ClinVar variation 3898427 (VCV003898427.7).